The following is an entry in ClinVar:

ClinVar aggregate classification (germline): Uncertain significance (1 of 4 stars; one submission).

Allele frequency attached by ClinVar (database versions not stated): gnomAD exomes 0.00001.
gnomAD v4.1: 16 of 1,612,956 alleles (0.00099%); highest among the groups gnomAD compares: Admixed American, 0.0017%; no homozygotes.

Submission:

Labcorp Genetics (formerly Invitae), Labcorp
Classification: Uncertain significance. Last evaluated: 2022-07-15. Review status: criteria provided, single submitter. Criteria: Invitae Variant Classification Sherloc (09022015). Collection method: clinical testing. Allele origin: germline.
Comment: This sequence change replaces serine, which is neutral and polar, with phenylalanine, which is neutral and non-polar, at codon 388 of the FASTKD2 protein (p.Ser388Phe). This variant is present in population databases (no rsID available, gnomAD 0.003%). This variant has not been reported in the literature in individuals affected with FASTKD2-related conditions. Algorithms developed to predict the effect of missense changes on protein structure and function are either unavailable or do not agree on the potential impact of this missense change (SIFT: "Deleterious"; PolyPhen-2: "Probably Damaging"; Align-GVGD: "Class C15"). Algorithms developed to predict the effect of sequence changes on RNA splicing suggest that this variant may create or strengthen a splice site. In summary, the available evidence is currently insufficient to determine the role of this variant in disease. Therefore, it has been classified as a Variant of Uncertain Significance.

NM_001136193.2(FASTKD2):c.1163C>T (p.Ser388Phe)

Gene: FASTKD2 (FAST kinase domains 2; plus strand). Cytogenetic location: 2q33.3.
Variant type: single nucleotide variant.
Coding change: c.1163C>T on transcript NM_001136193.2 (MANE Select); coding-DNA position 1163, C replaced by T.
Protein change: p.Ser388Phe; replaces serine 388 with phenylalanine.
Molecular consequence: missense variant.
Genome position (GRCh38, 1-based): chr2:206,772,229, C>T. VCF-style: chr2-206772229-C-T. GRCh37 (hg19) VCF-style: chr2-207636953-C-T.
Other names: c.1163C>T, p.Ser388Phe (NM_001136194.2, NM_014929.4); short protein forms S388F.
Identifiers: ClinVar variation 1962632 (VCV001962632.5), dbSNP rs1290533190, ClinGen allele CA350078228.